The following is an entry in ClinVar:

ClinVar aggregate classification (germline): Uncertain significance (1 of 4 stars; one submission).

Conditions:
Hereditary cancer-predisposing syndrome. Also called: Neoplastic Syndromes, Hereditary; Hereditary Cancer Syndrome; Tumor predisposition; Hereditary neoplastic syndrome. Identifiers: Orphanet 140162, MedGen C0027672, MeSH D009386, MONDO:0015356.

Submission:

Ambry Genetics
Classification: Uncertain significance for Hereditary cancer-predisposing syndrome. Last evaluated: 2024-12-16. Review status: criteria provided, single submitter. Criteria: Ambry Variant Classification Scheme 2023. Collection method: clinical testing. Allele origin: germline.
Comment: The p.Q330H variant (also known as c.990A>T), located in coding exon 8 of the POT1 gene, results from an A to T substitution at nucleotide position 990. The glutamine at codon 330 is replaced by histidine, an amino acid with highly similar properties. This amino acid position is conserved. In addition, this alteration is predicted to be tolerated by in silico analysis. Based on the available evidence, the clinical significance of this variant remains unclear.

NM_015450.3(POT1):c.990A>T (p.Gln330His)

Gene: POT1 (protection of telomeres 1; minus strand). Cytogenetic location: 7q31.33.
Variant type: single nucleotide variant.
Coding change: c.990A>T on transcript NM_015450.3 (MANE Select); coding-DNA position 990, A replaced by T.
Protein change: p.Gln330His; replaces glutamine 330 with histidine.
Molecular consequence: missense variant. On other transcripts: non-coding transcript variant (3).
Genome position (GRCh38, 1-based): chr7:124,846,958, T>A on the plus strand (A>T on the coding strand, the complement: POT1 is on the minus strand). VCF-style: chr7-124846958-T-A. GRCh37 (hg19) VCF-style: chr7-124487012-T-A.
Other names: c.597A>T, p.Gln199His (NM_001042594.2); short protein forms Q199H, Q330H.
Identifiers: ClinVar variation 3781981 (VCV003781981.1).